The following is an entry in ClinVar:

ClinVar aggregate classification (germline): Uncertain significance (1 of 4 stars; one submission).

Submission:

Ambry Genetics
Classification: Uncertain significance. Last evaluated: 2024-09-26. Review status: criteria provided, single submitter. Criteria: Ambry Variant Classification Scheme 2023. Collection method: clinical testing. Allele origin: germline.
Comment: The p.G211C variant (also known as c.631G>T), located in coding exon 5 of the RINT1 gene, results from a G to T substitution at nucleotide position 631. The glycine at codon 211 is replaced by cysteine, an amino acid with highly dissimilar properties. This amino acid position is conserved. In addition, this alteration is predicted to be tolerated by in silico analysis. Based on the available evidence, the clinical significance of this variant remains unclear.

NM_021930.6(RINT1):c.631G>T (p.Gly211Cys)

Gene: RINT1 (RAD50 interactor 1; plus strand). Cytogenetic location: 7q22.3.
Variant type: single nucleotide variant.
Coding change: c.631G>T on transcript NM_021930.6 (MANE Select); coding-DNA position 631, G replaced by T.
Protein change: p.Gly211Cys; replaces glycine 211 with cysteine.
Molecular consequence: missense variant. On other transcripts: 5 prime UTR variant (2), non-coding transcript variant (1), intron variant (1).
Genome position (GRCh38, 1-based): chr7:105,547,025, G>T. VCF-style: chr7-105547025-G-T. GRCh37 (hg19) VCF-style: chr7-105187472-G-T.
Other names: c.397G>T, p.Gly133Cys (NM_001346599.2); c.-389G>T (NM_001346600.2); c.-292G>T (NM_001346601.2); c.-27-3030G>T (NM_001346603.2); short protein forms G133C, G211C.
Identifiers: ClinVar variation 3433626 (VCV003433626.1).